The following is an entry in ClinVar:

NC_000003.12:g.(?_10141838)_(10149975_?)del

Genes: VHL (von Hippel-Lindau tumor suppressor; plus strand), LOC107303340 (3p25 von Hippel-Lindau tumor suppressor, E3 ubiquitin protein ligase Alu-mediated recombination region; plus strand). Cytogenetic location: 3p25.3.
Variant type: Deletion.
Identifiers: ClinVar variation 640445 (VCV000640445.1).

ClinVar aggregate classification (germline): Pathogenic (1 of 4 stars; one submission).

Conditions:
Chuvash polycythemia. Also called: POLYCYTHEMIA, VHL-DEPENDENT. Identifiers: Orphanet 238557, MedGen C1837915, MONDO:0009892, OMIM 263400.
Von Hippel-Lindau syndrome (VHLS). Also called: VHL syndrome; Von Hippel-Lindau; von Hippel–Lindau syndrome. Identifiers: Orphanet 892, MedGen C0019562, MONDO:0008667, OMIM 193300. Disease mechanism: loss of function.

Submission:

Labcorp Genetics (formerly Invitae), Labcorp
Classification: Pathogenic for Von Hippel-Lindau syndrome; Erythrocytosis, familial, 2. Last evaluated: 2018-10-03. Review status: criteria provided, single submitter. Criteria: Invitae Variant Classification Sherloc (09022015). Collection method: clinical testing. Allele origin: germline.
Comment: A gross deletion of the genomic region encompassing the full coding sequence of the VHL gene has been identified. The boundaries of this event are unknown as the deletion extends beyond the assayed region for this gene and therefore may encompass additional genes. Deletions of the entire VHL gene have been reported in multiple affected individuals (PMID: 10830910, 10567493, 8634692, 17537157, 20567917). Loss-of-function variants in VHL are known to be pathogenic (PMID: 8956040, 12202531). For these reasons, this variant has been classified as Pathogenic.

Literature cited by the submitters: PubMed 20567917; PubMed 17537157; PubMed 8634692; PubMed 10830910; PubMed 10567493.